The following is an entry in ClinVar:

NM_001286.5(CLCN6):c.260T>C (p.Ile87Thr)

Gene: CLCN6 (chloride voltage-gated channel 6; plus strand). Cytogenetic location: 1p36.22.
Variant type: single nucleotide variant.
Coding change: c.260T>C on transcript NM_001286.5 (MANE Select); coding-DNA position 260, T replaced by C.
Protein change: p.Ile87Thr; replaces isoleucine 87 with threonine.
Molecular consequence: missense variant. On other transcripts: non-coding transcript variant (1).
Genome position (GRCh38, 1-based): chr1:11,816,661, T>C. VCF-style: chr1-11816661-T-C. GRCh37 (hg19) VCF-style: chr1-11876718-T-C.
Other names: c.194T>C, p.Ile65Thr (NM_001256959.2); short protein forms I65T, I87T.
Identifiers: ClinVar variation 1983842 (VCV001983842.5), dbSNP rs780334882, ClinGen allele CA595964.

ClinVar aggregate classification (germline): Uncertain significance. Review status: criteria provided, multiple submitters, no conflicts (2 of 4 stars). 2 submissions from 2 submitters: Uncertain significance (2). Last evaluated 2025-12-13.

Allele frequency attached by ClinVar (database versions not stated): gnomAD exomes 0.00001; ExAC 0.00002; gnomAD 0.00009; TOPMed 0.00009.
gnomAD v4.1: 29 of 1,612,818 alleles (0.0018%); highest among the groups gnomAD compares: African/African-American, 0.029%; no homozygotes.

Submissions (2):

Labcorp Genetics (formerly Invitae), Labcorp
Classification: Uncertain significance. Last evaluated: 2025-12-13. Review status: criteria provided, single submitter. Criteria: Invitae Variant Classification Sherloc (09022015). Collection method: clinical testing. Allele origin: germline.
Comment: This sequence change replaces isoleucine, which is neutral and non-polar, with threonine, which is neutral and polar, at codon 87 of the CLCN6 protein (p.Ile87Thr). The frequency data for this variant in the population databases is considered unreliable, as metrics indicate poor data quality at this position in the gnomAD database. This variant has not been reported in the literature in individuals affected with CLCN6-related conditions. ClinVar contains an entry for this variant (Variation ID: 1983842). An algorithm developed to predict the effect of missense changes on protein structure and function (PolyPhen-2) suggests that this variant is likely to be disruptive. In summary, the available evidence is currently insufficient to determine the role of this variant in disease. Therefore, it has been classified as a Variant of Uncertain Significance.

Ambry Genetics
Classification: Uncertain significance. Last evaluated: 2022-09-07. Review status: criteria provided, single submitter. Criteria: Ambry Variant Classification Scheme 2023. Collection method: clinical testing. Allele origin: germline.